The following is an entry in ClinVar:

ClinVar aggregate classification (germline): Uncertain significance (1 of 4 stars; one submission).

Conditions:
Combined oxidative phosphorylation deficiency. Identifiers: MedGen C4540031, MONDO:0000732.
Charcot-Marie-Tooth Neuropathy X. Identifiers: MedGen CN118851.

gnomAD v4.1: 2 of 1,200,304 alleles (0.00017%); no homozygotes.

Submission:

Labcorp Genetics (formerly Invitae), Labcorp
Classification: Uncertain significance for Charcot-Marie-Tooth Neuropathy X; Combined oxidative phosphorylation deficiency. Last evaluated: 2024-10-12. Review status: criteria provided, single submitter. Criteria: Invitae Variant Classification Sherloc (09022015). Collection method: clinical testing. Allele origin: germline.
Comment: This sequence change replaces alanine, which is neutral and non-polar, with serine, which is neutral and polar, at codon 9 of the AIFM1 protein (p.Ala9Ser). This variant is not present in population databases (gnomAD no frequency). This variant has not been reported in the literature in individuals affected with AIFM1-related conditions. Invitae Evidence Modeling of protein sequence and biophysical properties (such as structural, functional, and spatial information, amino acid conservation, physicochemical variation, residue mobility, and thermodynamic stability) indicates that this missense variant is not expected to disrupt AIFM1 protein function with a negative predictive value of 95%. In summary, the available evidence is currently insufficient to determine the role of this variant in disease. Therefore, it has been classified as a Variant of Uncertain Significance.

NM_004208.4(AIFM1):c.25G>T (p.Ala9Ser)

Genes: AIFM1 (apoptosis inducing factor mitochondria associated 1; minus strand), RAB33A (RAB33A, member RAS oncogene family; plus strand), LOC130068679 (ATAC-STARR-seq lymphoblastoid active region 29939; plus strand). Cytogenetic location: Xq26.1.
Variant type: single nucleotide variant.
Coding change: c.25G>T on transcript NM_004208.4 (MANE Select); coding-DNA position 25, G replaced by T.
Protein change: p.Ala9Ser; replaces alanine 9 with serine.
Molecular consequence: missense variant. On other transcripts: non-coding transcript variant (1).
Genome position (GRCh38, 1-based): chrX:130,165,632, C>A on the plus strand (G>T on the coding strand, the complement: AIFM1 is on the minus strand). VCF-style: chrX-130165632-C-A. GRCh37 (hg19) VCF-style: chrX-129299606-C-A.
Other names: c.25G>T, p.Ala9Ser (NM_001130847.4, NM_145812.3); short protein forms A9S.
Identifiers: ClinVar variation 3761633 (VCV003761633.2).
Genomic context (GRCh38, chrX:130,165,632, plus strand): 5'-TCGGGCTTCGGACGCACACGGTCCGCACCAAGGGCACCAGCTTCTGCTTCAAAGCACCCG[C>A]CGCCAGGCCTCCACACCGGAACATTTCGGCGACCGCTATTCGGGACCTCCTCCTTCCCTT-3'
Protein context (NP_004199.1, residues 1-19): MFRCGGLA[Ala9Ser]GALKQKLVPL